The following is an entry in ClinVar:

NM_000064.4(C3):c.4800A>T (p.Lys1600Asn)

Gene: C3 (complement C3; minus strand). Cytogenetic location: 19p13.3.
Variant type: single nucleotide variant.
Coding change: c.4800A>T on transcript NM_000064.4 (MANE Select); coding-DNA position 4800, A replaced by T.
Protein change: p.Lys1600Asn; replaces lysine 1600 with asparagine.
Molecular consequence: missense variant.
Genome position (GRCh38, 1-based): chr19:6,678,202, T>A on the plus strand (A>T on the coding strand, the complement: C3 is on the minus strand). VCF-style: chr19-6678202-T-A. GRCh37 (hg19) VCF-style: chr19-6678213-T-A.
Other names: short protein forms K1600N.
Identifiers: ClinVar variation 2176718 (VCV002176718.1), dbSNP rs1405561676, ClinGen allele CA403610952.
Genomic context (GRCh38, chr19:6,678,202, plus strand): 5'-AAGCACTCACTTGGGCTTCTCTCCCCAGAAATCGGAGGAGAGACCCCACATGAGGTAGTG[T>A]TTCTTCTCCTCCAGCTTCAGGGCTTCTCTGCACTTGATGGGGCTGATGAACGTGCGCTGC-3'
Protein context (NP_000055.2, residues 1590-1610): CREALKLEEK[Lys1600Asn]HYLMWGLSSD

ClinVar aggregate classification (germline): Uncertain significance (1 of 4 stars; one submission).

Allele frequency attached by ClinVar (database versions not stated): TOPMed 0.00001.
gnomAD v4.1: 3 of 1,614,064 alleles (0.00019%); highest among the groups gnomAD compares: Middle Eastern, 0.016%; no homozygotes.

Submission:

Labcorp Genetics (formerly Invitae), Labcorp
Classification: Uncertain significance. Last evaluated: 2021-08-27. Review status: criteria provided, single submitter. Criteria: Invitae Variant Classification Sherloc (09022015). Collection method: clinical testing. Allele origin: germline.
Comment: This sequence change replaces lysine with asparagine at codon 1600 of the C3 protein (p.Lys1600Asn). The lysine residue is moderately conserved and there is a moderate physicochemical difference between lysine and asparagine. This variant is not present in population databases (ExAC no frequency). This variant has not been reported in the literature in individuals affected with C3-related conditions. Algorithms developed to predict the effect of missense changes on protein structure and function are either unavailable or do not agree on the potential impact of this missense change (SIFT: "Deleterious"; PolyPhen-2: "Benign"; Align-GVGD: "Class C0"). In summary, the available evidence is currently insufficient to determine the role of this variant in disease. Therefore, it has been classified as a Variant of Uncertain Significance.